The following is an entry in ClinVar:

NM_004958.4(MTOR):c.895T>C (p.Tyr299His)

Gene: MTOR (mechanistic target of rapamycin kinase; minus strand). Cytogenetic location: 1p36.22.
Variant type: single nucleotide variant.
Coding change: c.895T>C on transcript NM_004958.4 (MANE Select); coding-DNA position 895, T replaced by C.
Protein change: p.Tyr299His; replaces tyrosine 299 with histidine.
Molecular consequence: missense variant. On other transcripts: 5 prime UTR variant (1).
Genome position (GRCh38, 1-based): chr1:11,248,040, A>G on the plus strand (T>C on the coding strand, the complement: MTOR is on the minus strand). VCF-style: chr1-11248040-A-G. GRCh37 (hg19) VCF-style: chr1-11308097-A-G.
Other names: c.895T>C, p.Tyr299His (NM_001386500.1); c.-245T>C (NM_001386501.1); short protein forms Y299H.
Identifiers: ClinVar variation 1450489 (VCV001450489.6), dbSNP rs2100940868, ClinGen allele CA338400549.
Genomic context (GRCh38, chr1:11,248,040, plus strand): 5'-AACTGGTGAAGGGGGTAATGTGACGAGGTTTTGTTCCGAAGCCCATGAGATCTTTGCAGT[A>G]CTTGTCGTGTACCAGCTGCTGCTGTGTGATTTCTTCCATTTCTTCTCTCAGACGCTATAT-3'
Protein context (NP_004949.1, residues 289-309): ITQQQLVHDK[Tyr299His]CKDLMGFGTK

ClinVar aggregate classification (germline): Uncertain significance (1 of 4 stars; one submission).

Submission:

Labcorp Genetics (formerly Invitae), Labcorp
Classification: Uncertain significance. Last evaluated: 2021-09-19. Review status: criteria provided, single submitter. Criteria: Invitae Variant Classification Sherloc (09022015). Collection method: clinical testing. Allele origin: germline.
Comment: This sequence change replaces tyrosine with histidine at codon 299 of the MTOR protein (p.Tyr299His). The tyrosine residue is moderately conserved and there is a moderate physicochemical difference between tyrosine and histidine. This variant is not present in population databases (ExAC no frequency). This variant has not been reported in the literature in individuals affected with MTOR-related conditions. Advanced modeling of protein sequence and biophysical properties (such as structural, functional, and spatial information, amino acid conservation, physicochemical variation, residue mobility, and thermodynamic stability) performed at Invitae indicates that this missense variant is not expected to disrupt MTOR protein function. In summary, the available evidence is currently insufficient to determine the role of this variant in disease. Therefore, it has been classified as a Variant of Uncertain Significance.